The following is an entry in ClinVar:

ClinVar aggregate classification (germline): Uncertain significance (1 of 4 stars; one submission).

Allele frequency attached by ClinVar (database versions not stated): ExAC 0.00013; gnomAD exomes 0.00013 and 0.00043; TOPMed 0.00019; ESP Exome Variant Server 0.00032.
gnomAD v4.1: 650 of 1,592,304 alleles (0.041%); highest among the groups gnomAD compares: Non-Finnish European, 0.052%; 1 homozygote.

Submissions (2):

Labcorp Genetics (formerly Invitae), Labcorp
Classification: Uncertain significance. Last evaluated: 2022-09-07. Review status: criteria provided, single submitter. Criteria: Invitae Variant Classification Sherloc (09022015). Collection method: clinical testing. Allele origin: germline.
Comment: This sequence change falls in intron 30 of the COL13A1 gene. It does not directly change the encoded amino acid sequence of the COL13A1 protein. It affects a nucleotide within the consensus splice site. This variant is present in population databases (rs373955853, gnomAD 0.03%). This variant has not been reported in the literature in individuals affected with COL13A1-related conditions. ClinVar contains an entry for this variant (Variation ID: 1385908). Variants that disrupt the consensus splice site are a relatively common cause of aberrant splicing (PMID: 17576681, 9536098). Algorithms developed to predict the effect of sequence changes on RNA splicing suggest that this variant is not likely to affect RNA splicing. In summary, the available evidence is currently insufficient to determine the role of this variant in disease. Therefore, it has been classified as a Variant of Uncertain Significance.

Dr. Peter K. Rogan Lab, Western University
No classification provided (evidence only). Condition: Acute myeloid leukemia. Review status: no classification provided. Collection method: in vitro. Allele origin: not applicable. Functional consequence: retained intron. Not counted in ClinVar's aggregate classification.

Literature cited by the submitters: PubMed 17576681 (cited by Labcorp Genetics (formerly Invitae), Labcorp); PubMed 9536098 (cited by Labcorp Genetics (formerly Invitae), Labcorp).

NM_001368882.1(COL13A1):c.1728+6T>A

Gene: COL13A1 (collagen type XIII alpha 1 chain; plus strand). Cytogenetic location: 10q22.1.
Variant type: single nucleotide variant.
Coding change: c.1728+6T>A on transcript NM_001368882.1 (MANE Select); 6 bases into the intron after coding-DNA position 1728, T replaced by A.
Molecular consequence: intron variant.
Genome position (GRCh38, 1-based): chr10:69,932,610, T>A. VCF-style: chr10-69932610-T-A. GRCh37 (hg19) VCF-style: chr10-71692366-T-A.
Other names: c.1620+2058T>A (NM_001320951.2, NM_001368884.1); c.1695+6T>A (NM_001130103.2); c.1629+6T>A (NM_080801.4); c.1584+2058T>A (NM_080802.4, NM_001368885.1); c.1638+6T>A (NM_080800.4); c.1020+2058T>A (NM_001368886.1); c.1647+2058T>A (NM_001368883.1); c.1497+2058T>A (NM_080805.4); and 4 more.
Identifiers: ClinVar variation 1385908 (VCV001385908.4), dbSNP rs373955853, ClinGen allele CA5534886.